The following is an entry in ClinVar:

NM_000334.4(SCN4A):c.*332C>T

Genes: GH-LCR (growth hormone locus control region; plus strand), SCN4A (sodium voltage-gated channel alpha subunit 4; minus strand). Cytogenetic location: 17q23.3.
Variant type: single nucleotide variant.
Coding change: c.*332C>T on transcript NM_000334.4 (MANE Select); 332 bases downstream of the stop codon, C replaced by T.
Molecular consequence: 3 prime UTR variant.
Genome position (GRCh38, 1-based): chr17:63,940,439, G>A on the plus strand (C>T on the coding strand, the complement: SCN4A is on the minus strand). VCF-style: chr17-63940439-G-A. GRCh37 (hg19) VCF-style: chr17-62017799-G-A.
Identifiers: ClinVar variation 324498 (VCV000324498.6), dbSNP rs77962116, ClinGen allele CA10649799.

ClinVar aggregate classification (germline): Benign/Likely benign. Review status: criteria provided, multiple submitters, no conflicts (2 of 4 stars). 6 submissions from 2 submitters: Benign (5); Likely benign (1). Last evaluated 2021-06-01.

Conditions:
Congenital myasthenic syndrome 16. Identifiers: Orphanet 590, MedGen C3280112, MONDO:0013620, OMIM 614198.
Hypokalemic periodic paralysis, type 2 (HOKPP2). Identifiers: Orphanet 681, MedGen C2750061, MONDO:0013234, OMIM 613345.
Paramyotonia congenita of Von Eulenburg. Also called: Paramyotonia Congenita; PARALYSIS PERIODICA PARAMYOTONICA; Eulenburg disease; Myotonia congenita intermittens; Von Eulenburg paramyotonia congenita. Identifiers: Orphanet 684, MedGen C0221055, MONDO:0008195, OMIM 168300. Disease mechanism: loss of function.
Hyperkalemic periodic paralysis. Also called: Familial hyperkalemic periodic paralysis; Gamstorp disease. Identifiers: Orphanet 682, MedGen C0238357, MONDO:0008224, OMIM 170500, HP:0007215.
Potassium-aggravated myotonia. Also called: Myotonia congenita, atypical, acetazolamide-responsive; MYOTONIA CONGENITA, ACETAZOLAMIDE-RESPONSIVE; MYOTONIA CONGENITA, ATYPICAL; SODIUM CHANNEL MUSCLE DISEASE. Identifiers: Orphanet 612, Orphanet 99734, Orphanet 99735, Orphanet 99736, MedGen C2931826, MONDO:0018959, OMIM 608390.

Allele frequency attached by ClinVar (database versions not stated): 1000 Genomes Project 0.01238; 1000 Genomes Project 30x 0.01343; gnomAD 0.01383 and 0.01507; TOPMed 0.01563; gnomAD exomes 0.00138.
gnomAD v4.1: 2,301 of 306,240 alleles (0.75%); highest among the groups gnomAD compares: African/African-American, 4.7%; 45 homozygotes.

Submissions (6):

GeneDx
Classification: Likely benign. Last evaluated: 2021-06-01. Review status: criteria provided, single submitter. Criteria: GeneDx Variant Classification Process June 2021. Collection method: clinical testing. Allele origin: germline. Affected: yes.

Illumina Laboratory Services, Illumina
Classification: Benign for Paramyotonia congenita of Von Eulenburg. Last evaluated: 2018-01-13. Review status: criteria provided, single submitter. Criteria: ICSL Variant Classification Criteria 13 December 2019. Collection method: clinical testing. Allele origin: germline.
Comment: This variant was observed in the ICSL laboratory as part of a predisposition screen in an ostensibly healthy population. It had not been previously curated by ICSL or reported in the Human Gene Mutation Database (HGMD: prior to June 1st, 2018), and was therefore a candidate for classification through an automated scoring system. Utilizing variant allele frequency, disease prevalence and penetrance estimates, and inheritance mode, an automated score was calculated to assess if this variant is too frequent to cause the disease. Based on the score and internal cut-off values, a variant classified as benign is not then subjected to further curation. The score for this variant resulted in a classification of benign for this disease.

Illumina Laboratory Services, Illumina
Classification: Benign for Congenital myasthenic syndrome 16. Last evaluated: 2018-01-13. Review status: criteria provided, single submitter. Criteria: ICSL Variant Classification Criteria 13 December 2019. Collection method: clinical testing. Allele origin: germline.
Comment: the same text as in the submission from Illumina Laboratory Services, Illumina above.

Illumina Laboratory Services, Illumina
Classification: Benign for Potassium-aggravated myotonia. Last evaluated: 2018-01-13. Review status: criteria provided, single submitter. Criteria: ICSL Variant Classification Criteria 13 December 2019. Collection method: clinical testing. Allele origin: germline.
Comment: the same text as in the submission from Illumina Laboratory Services, Illumina above.

Illumina Laboratory Services, Illumina
Classification: Benign for Hypokalemic periodic paralysis, type 2. Last evaluated: 2018-01-13. Review status: criteria provided, single submitter. Criteria: ICSL Variant Classification Criteria 13 December 2019. Collection method: clinical testing. Allele origin: germline.
Comment: the same text as in the submission from Illumina Laboratory Services, Illumina above.

Illumina Laboratory Services, Illumina
Classification: Benign for Hyperkalemic periodic paralysis. Last evaluated: 2018-01-13. Review status: criteria provided, single submitter. Criteria: ICSL Variant Classification Criteria 13 December 2019. Collection method: clinical testing. Allele origin: germline.
Comment: the same text as in the submission from Illumina Laboratory Services, Illumina above.